The following is an entry in ClinVar:

NM_001374736.1(DST):c.1686A>G (p.Gln562=)

Gene: DST (dystonin; minus strand). Cytogenetic location: 6p12.1.
Variant type: single nucleotide variant.
Coding change: c.1686A>G on transcript NM_001374736.1 (MANE Select); coding-DNA position 1686, A replaced by G.
Protein change: p.Gln562=; no amino-acid change (glutamine 562 retained).
Molecular consequence: synonymous variant.
Genome position (GRCh38, 1-based): chr6:56,645,958, T>C on the plus strand (A>G on the coding strand, the complement: DST is on the minus strand). VCF-style: chr6-56645958-T-C. GRCh37 (hg19) VCF-style: chr6-56510756-T-C.
Other names: c.1587A>G (NM_001144769.2); c.1053A>G, p.Gln351= (NM_001374729.1, NM_001374730.1, NM_001386100.1 and 1 more transcripts); c.1713A>G, p.Gln571= (NM_001374734.1); c.1587A>G, p.Gln529= (NM_001144769.5); c.1173A>G, p.Gln391= (NM_001144770.2); c.1686A>G, p.Gln562= (NM_001374722.1).
Identifiers: ClinVar variation 2656677 (VCV002656677.26), dbSNP rs780836265, ClinGen allele CA3871641.
Genomic context (GRCh38, chr6:56,645,958, plus strand): 5'-CTCTAGCATGGCAATAATGAGTTTCCCCCACTCTTTTTCTATGTCATTTGGATGATAACC[T>C]TGAAGGAGCTTGATGCGTCCAAATTCTATCCAAATCTTGAGAAAACAAAAAACTTTAATG-3'
Protein context (NP_001361665.1, residues 552-572): WIEFGRIKLL[Gln562=]GYHPNDIEKE

ClinVar aggregate classification (germline): Likely benign. Review status: criteria provided, multiple submitters, no conflicts (2 of 4 stars). 3 submissions from 3 submitters: Likely benign (3). Last evaluated 2025-12-31.

Conditions:
DST-related disorder. Also called: DST-related condition; DST-related disorders.

Allele frequency attached by ClinVar (database versions not stated): gnomAD 0.00001; TOPMed 0.00001; gnomAD exomes 0.00002; ExAC 0.00003.
gnomAD v4.1: 32 of 1,613,602 alleles (0.002%); highest among the groups gnomAD compares: Non-Finnish European, 0.0025%; no homozygotes.

Submissions (3):

PreventionGenetics, part of Exact Sciences
Classification: Likely benign for DST-related condition. Last evaluated: 2025-12-31. Review status: criteria provided, single submitter. Criteria: ACMG Guidelines, 2015. Collection method: clinical testing. Allele origin: germline.
Comment: This variant is classified as likely benign based on ACMG/AMP sequence variant interpretation guidelines (Richards et al. 2015 PMID: 25741868, with internal and published modifications).

Blueprint Genetics
Classification: Likely benign. Last evaluated: 2024-03-05. Review status: criteria provided, single submitter. Criteria: ACMG Guidelines, 2015. Collection method: clinical testing. Allele origin: germline.

CeGaT Center for Human Genetics Tuebingen
Classification: Likely benign. Last evaluated: 2022-09-01. Review status: criteria provided, single submitter. Criteria: CeGaT Center For Human Genetics Tuebingen Variant Classification Criteria Version 2. Collection method: clinical testing. Allele origin: germline. Affected: yes. Observed: 1 variant allele.
Comment: DST: BP4, BP7